The following is an entry in ClinVar:

ClinVar aggregate classification (germline): Uncertain significance. Review status: criteria provided, multiple submitters, no conflicts (2 of 4 stars). 2 submissions from 2 submitters: Uncertain significance (2). Last evaluated 2025-04-21.

Conditions:
Hereditary cancer-predisposing syndrome. Also called: Neoplastic Syndromes, Hereditary; Tumor predisposition; Hereditary neoplastic syndrome; Hereditary Cancer Syndrome. Identifiers: Orphanet 140162, MedGen C0027672, MeSH D009386, MONDO:0015356.
Familial cancer of breast. Also called: BREAST CANCER, FAMILIAL; Hereditary breast cancer; hereditary breast carcinoma. Identifiers: Orphanet 227535, MedGen C0346153, MONDO:0016419, OMIM 114480. Disease mechanism: loss of function.

Allele frequency attached by ClinVar (database versions not stated): gnomAD exomes 0.00001.
gnomAD v4.1: 10 of 1,614,180 alleles (0.00062%); highest among the groups gnomAD compares: Non-Finnish European, 0.00076%; no homozygotes.

Submissions (2):

Labcorp Genetics (formerly Invitae), Labcorp
Classification: Uncertain significance for Familial cancer of breast. Last evaluated: 2025-04-21. Review status: criteria provided, single submitter. Criteria: Invitae Variant Classification Sherloc (09022015). Collection method: clinical testing. Allele origin: germline.
Comment: This sequence change replaces asparagine, which is neutral and polar, with threonine, which is neutral and polar, at codon 863 of the PALB2 protein (p.Asn863Thr). This variant is not present in population databases (gnomAD no frequency). This variant has not been reported in the literature in individuals affected with PALB2-related conditions. ClinVar contains an entry for this variant (Variation ID: 2453284). An algorithm developed to predict the effect of missense changes on protein structure and function (PolyPhen-2) suggests that this variant is likely to be disruptive. In summary, the available evidence is currently insufficient to determine the role of this variant in disease. Therefore, it has been classified as a Variant of Uncertain Significance.

Ambry Genetics
Classification: Uncertain significance for Hereditary cancer-predisposing syndrome. Last evaluated: 2022-11-04. Review status: criteria provided, single submitter. Criteria: Ambry Variant Classification Scheme 2023. Collection method: clinical testing. Allele origin: germline.
Comment: The p.N863T variant (also known as c.2588A>C), located in coding exon 7 of the PALB2 gene, results from an A to C substitution at nucleotide position 2588. The asparagine at codon 863 is replaced by threonine, an amino acid with similar properties. This amino acid position is conserved. In addition, this alteration is predicted to be tolerated by in silico analysis. Since supporting evidence is limited at this time, the clinical significance of this alteration remains unclear.

NM_024675.4(PALB2):c.2588A>C (p.Asn863Thr)

Gene: PALB2 (partner and localizer of BRCA2; minus strand). Cytogenetic location: 16p12.2.
Variant type: single nucleotide variant.
Coding change: c.2588A>C on transcript NM_024675.4 (MANE Select); coding-DNA position 2588, A replaced by C.
Protein change: p.Asn863Thr; replaces asparagine 863 with threonine.
Molecular consequence: missense variant. On other transcripts: intron variant (3).
Genome position (GRCh38, 1-based): chr16:23,626,396, T>G on the plus strand (A>C on the coding strand, the complement: PALB2 is on the minus strand). VCF-style: chr16-23626396-T-G. GRCh37 (hg19) VCF-style: chr16-23637717-T-G.
Other names: c.2528A>C, p.Asn843Thr (NM_001407296.1); c.2516A>C, p.Asn839Thr (NM_001407297.1); c.2588A>C, p.Asn863Thr (NM_001407299.1, NM_001407300.1, NM_001407301.1); c.1703A>C, p.Asn568Thr (NM_001407304.1, NM_001407305.1, NM_001407306.1 and 4 more transcripts); c.800A>C, p.Asn267Thr (NM_001407312.1, NM_001407313.1); c.122A>C, p.Asn41Thr (NM_001407314.1); c.2587-2302A>C (NM_001407302.1, NM_001407298.1); c.1702-2302A>C (NM_001407307.1); short protein forms N267T, N41T, N843T, N568T, N839T, N863T.
Identifiers: ClinVar variation 2453284 (VCV002453284.5), dbSNP rs2142356743, ClinGen allele CA395122281.